The following is an entry in ClinVar:

ClinVar aggregate classification (germline): Pathogenic (1 of 4 stars; one submission).

Submission:

GeneDx
Classification: Pathogenic. Last evaluated: 2023-02-13. Review status: criteria provided, single submitter. Criteria: GeneDx Variant Classification Process June 2021. Collection method: clinical testing. Allele origin: germline. Affected: yes.
Comment: Identified in an individual with congenital multifocal capillary malformations and spinal arteriovenous fistula in the published literature (Thiex et al., 2010); Canonical splice site variant predicted to result in a null allele in a gene for which loss of function is a known mechanism of disease; Not observed at significant frequency in large population cohorts (gnomAD); This variant is associated with the following publications: (PMID: 24038909, 20007727)

NM_002890.3(RASA1):c.1453+1del

Genes: CCNH (cyclin H; minus strand), RASA1 (RAS p21 protein activator 1; plus strand). Cytogenetic location: 5q14.3.
Variant type: Deletion.
Coding change: c.1453+1del on transcript NM_002890.3 (MANE Select); the canonical splice donor site of the intron after coding-DNA position 1453, one base deleted (G; older notation c.1453+1delG).
Molecular consequence: splice donor variant. On other transcripts: intron variant (1).
Genome position (GRCh38, 1-based): chr5:87,362,672, G deleted; the last of 3 consecutive G bases (chr5:87,362,670-87,362,672); deleting any one gives the same sequence. VCF-style (leftmost placement, unchanged base first): chr5-87362669-AG-A. GRCh37 (hg19) VCF-style: chr5-86658486-AG-A.
Other names: c.922+1del (NM_022650.3); c.933+32374del (NM_001364075.2).
Identifiers: ClinVar variation 2575848 (VCV002575848.1), dbSNP rs1361922924, ClinGen allele CA645557662.